The following is an entry in ClinVar:

NM_014363.6(SACS):c.12282A>G (p.Lys4094=)

Gene: SACS (sacsin molecular chaperone; minus strand). Cytogenetic location: 13q12.12.
Variant type: single nucleotide variant.
Coding change: c.12282A>G on transcript NM_014363.6 (MANE Select); coding-DNA position 12282, A replaced by G.
Protein change: p.Lys4094=; no amino-acid change (lysine 4094 retained).
Molecular consequence: synonymous variant.
Genome position (GRCh38, 1-based): chr13:23,331,594, T>C on the plus strand (A>G on the coding strand, the complement: SACS is on the minus strand). VCF-style: chr13-23331594-T-C. GRCh37 (hg19) VCF-style: chr13-23905733-T-C.
Other names: c.12282A>G (NM_014363.5, NM_014363.4); c.11841A>G, p.Lys3947= (NM_001278055.2).
Identifiers: ClinVar variation 1158379 (VCV001158379.33), dbSNP rs1405259528, ClinGen allele CA483158403.

ClinVar aggregate classification (germline): Likely benign. Review status: criteria provided, multiple submitters, no conflicts (2 of 4 stars). 4 submissions from 4 submitters: Likely benign (3). 1 of the submissions does not count toward it. Last evaluated 2025-04-03.

Conditions:
Charlevoix-Saguenay spastic ataxia (SACS). Also called: Spastic ataxia of Charlevoix-Saguenay; AUTOSOMAL RECESSIVE SPASTIC ATAXIA OF CHARLEVOIX-SAGUENAY; SPASTIC ATAXIA 6, AUTOSOMAL RECESSIVE. Identifiers: Orphanet 98, MedGen C1849140, MONDO:0010041, OMIM 270550.
Spastic paraplegia. Identifiers: MedGen C0037772, HP:0001258.

Allele frequency attached by ClinVar (database versions not stated): gnomAD exomes 0.00001 and 0.00002.
gnomAD v4.1: 7 of 1,614,032 alleles (0.00043%); highest among the groups gnomAD compares: African/African-American, 0.0013%; no homozygotes.

Submissions (4):

Athena Diagnostics
Classification: Likely benign. Last evaluated: 2025-04-03. Review status: criteria provided, single submitter. Criteria: Athena Diagnostics Criteria. Collection method: clinical testing. Allele origin: unknown.
Comment: Computational tools yielded predictions that this variant is unlikely to have an effect on normal RNA splicing. This nucleotide position exhibits low evolutionary conservation.

Labcorp Genetics (formerly Invitae), Labcorp
Classification: Likely benign for Spastic paraplegia. Last evaluated: 2024-10-23. Review status: criteria provided, single submitter. Criteria: Invitae Variant Classification Sherloc (09022015). Collection method: clinical testing. Allele origin: germline.

CeGaT Center for Human Genetics Tuebingen
Classification: Likely benign. Last evaluated: 2024-02-01. Review status: criteria provided, single submitter. Criteria: CeGaT Center For Human Genetics Tuebingen Variant Classification Criteria Version 2. Collection method: clinical testing. Allele origin: germline. Affected: yes. Observed: 2 variant alleles.
Comment: SACS: BP4, BP7

Natera, Inc.
Classification: Uncertain significance for Charlevoix-Saguenay type spastic ataxia. Last evaluated: 2025-03-10. Review status: no assertion criteria provided. Collection method: clinical testing. Allele origin: germline. Not counted in ClinVar's aggregate classification.